The following is an entry in ClinVar:

ClinVar aggregate classification (germline): Uncertain significance (1 of 4 stars; one submission).

Conditions:
Jeune thoracic dystrophy. Also called: Short-rib thoracic dysplasia; Jeune syndrome; Infantile thoracic dystrophy; Thoracic pelvic phalangeal dystrophy; Jeune's syndrome; Chondroectodermal dysplasia-like syndrome. Identifiers: Orphanet 474, MedGen C0265275, MONDO:0018770.

Submission:

Labcorp Genetics (formerly Invitae), Labcorp
Classification: Uncertain significance for Jeune thoracic dystrophy. Last evaluated: 2022-08-19. Review status: criteria provided, single submitter. Criteria: Invitae Variant Classification Sherloc (09022015). Collection method: clinical testing. Allele origin: germline.
Comment: This sequence change replaces glutamic acid, which is acidic and polar, with lysine, which is basic and polar, at codon 400 of the IFT80 protein (p.Glu400Lys). This variant is not present in population databases (gnomAD no frequency). This variant has not been reported in the literature in individuals affected with IFT80-related conditions. Algorithms developed to predict the effect of missense changes on protein structure and function (SIFT, PolyPhen-2, Align-GVGD) all suggest that this variant is likely to be tolerated. Algorithms developed to predict the effect of sequence changes on RNA splicing suggest that this variant may disrupt the consensus splice site. In summary, the available evidence is currently insufficient to determine the role of this variant in disease. Therefore, it has been classified as a Variant of Uncertain Significance.

NM_020800.3(IFT80):c.1198G>A (p.Glu400Lys)

Genes: IFT80 (intraflagellar transport 80; minus strand), TRIM59-IFT80 (TRIM59-IFT80 readthrough (NMD candidate); minus strand). Cytogenetic location: 3q25.33.
Variant type: single nucleotide variant.
Coding change: c.1198G>A on transcript NM_020800.3 (MANE Select); coding-DNA position 1198, G replaced by A.
Protein change: p.Glu400Lys; replaces glutamic acid 400 with lysine.
Molecular consequence: missense variant. On other transcripts: non-coding transcript variant (3).
Genome position (GRCh38, 1-based): chr3:160,301,000, C>T on the plus strand (G>A on the coding strand, the complement: IFT80 is on the minus strand). VCF-style: chr3-160301000-C-T. GRCh37 (hg19) VCF-style: chr3-160018788-C-T.
Other names: c.787G>A, p.Glu263Lys (NM_001190241.2, NM_001190242.2); short protein forms E263K, E400K.
Identifiers: ClinVar variation 1905581 (VCV001905581.5), dbSNP rs1716382671, ClinGen allele CA355193728.